The following is an entry in ClinVar:

NM_015512.5(DNAH1):c.7483C>T (p.Arg2495Cys)

Gene: DNAH1 (dynein axonemal heavy chain 1; plus strand). Cytogenetic location: 3p21.1.
Variant type: single nucleotide variant.
Coding change: c.7483C>T on transcript NM_015512.5 (MANE Select); coding-DNA position 7483, C replaced by T.
Protein change: p.Arg2495Cys; replaces arginine 2495 with cysteine.
Molecular consequence: missense variant.
Genome position (GRCh38, 1-based): chr3:52,380,010, C>T. VCF-style: chr3-52380010-C-T. GRCh37 (hg19) VCF-style: chr3-52414026-C-T.
Other names: short protein forms R2495C.
Identifiers: ClinVar variation 478492 (VCV000478492.6), dbSNP rs545683519, ClinGen allele CA2434897.

ClinVar aggregate classification (germline): Uncertain significance (1 of 4 stars; one submission).

Conditions:
Spermatogenic failure 18. Identifiers: MedGen C4539783, MONDO:0054615, OMIM 617576.
Ciliary dyskinesia, primary, 37 (CILD37). Also called: CILIARY DYSKINESIA, PRIMARY, 37, WITH OR WITHOUT SITUS INVERSUS. Identifiers: MedGen C4539798, MONDO:0033204, OMIM 617577.

Allele frequency attached by ClinVar (database versions not stated): ExAC 0.00002; gnomAD 0.00003; TOPMed 0.00004; 1000 Genomes Project 30x 0.00016; 1000 Genomes Project 0.00020.
gnomAD v4.1: 27 of 1,593,754 alleles (0.0017%); highest among the groups gnomAD compares: Admixed American, 0.007%; no homozygotes.

Submission:

Labcorp Genetics (formerly Invitae), Labcorp
Classification: Uncertain significance for Ciliary dyskinesia, primary, 37; Spermatogenic failure 18. Last evaluated: 2024-01-08. Review status: criteria provided, single submitter. Criteria: Invitae Variant Classification Sherloc (09022015). Collection method: clinical testing. Allele origin: germline.
Comment: This sequence change replaces arginine, which is basic and polar, with cysteine, which is neutral and slightly polar, at codon 2495 of the DNAH1 protein (p.Arg2495Cys). This variant is present in population databases (rs545683519, gnomAD 0.02%). This variant has not been reported in the literature in individuals affected with DNAH1-related conditions. ClinVar contains an entry for this variant (Variation ID: 478492). Advanced modeling of protein sequence and biophysical properties (such as structural, functional, and spatial information, amino acid conservation, physicochemical variation, residue mobility, and thermodynamic stability) has been performed at Invitae for this missense variant, however the output from this modeling did not meet the statistical confidence thresholds required to predict the impact of this variant on DNAH1 protein function. In summary, the available evidence is currently insufficient to determine the role of this variant in disease. Therefore, it has been classified as a Variant of Uncertain Significance.